The following is an entry in ClinVar:

NM_001854.4(COL11A1):c.173C>T (p.Thr58Met)

Gene: COL11A1 (collagen type XI alpha 1 chain; minus strand). Cytogenetic location: 1p21.1.
Variant type: single nucleotide variant.
Coding change: c.173C>T on transcript NM_001854.4 (MANE Select); coding-DNA position 173, C replaced by T.
Protein change: p.Thr58Met; replaces threonine 58 with methionine.
Molecular consequence: missense variant. On other transcripts: non-coding transcript variant (1).
Genome position (GRCh38, 1-based): chr1:103,082,906, G>A on the plus strand (C>T on the coding strand, the complement: COL11A1 is on the minus strand). VCF-style: chr1-103082906-G-A. GRCh37 (hg19) VCF-style: chr1-103548462-G-A.
Other names: c.173C>T, p.Thr58Met (NM_001190709.2, NM_080629.3, NM_080630.4); short protein forms T58M.
Identifiers: ClinVar variation 450137 (VCV000450137.12), dbSNP rs770162224, ClinGen allele CA975535.

ClinVar aggregate classification (germline): Conflicting classifications of pathogenicity. Review status: criteria provided, conflicting classifications (1 of 4 stars). 4 submissions from 4 submitters: Uncertain significance (2); Benign (1). 1 of the submissions does not count toward it. Last evaluated 2025-10-12.

Conditions:
COL11A1-related disorder. Also called: COL11A1-related condition; COL11A1-related disorders.

Allele frequency attached by ClinVar (database versions not stated): gnomAD 0.00004; gnomAD exomes 0.00004; ExAC 0.00005; TOPMed 0.00007.
gnomAD v4.1: 53 of 1,613,268 alleles (0.0033%); highest among the groups gnomAD compares: South Asian, 0.027%; no homozygotes.

Submissions (4):

Labcorp Genetics (formerly Invitae), Labcorp
Classification: Benign. Last evaluated: 2025-10-12. Review status: criteria provided, single submitter. Criteria: Invitae Variant Classification Sherloc (09022015). Collection method: clinical testing. Allele origin: germline.

GeneDx
Classification: Uncertain significance. Last evaluated: 2025-07-01. Review status: criteria provided, single submitter. Criteria: GeneDx Variant Classification Process June 2021. Collection method: clinical testing. Allele origin: germline. Affected: yes.
Comment: In silico analysis supports that this missense variant has a deleterious effect on protein structure/function; Not located in the triple helical region, where the majority of pathogenic missense variants occur (HGMD; PMID: 25240749); Has not been previously published as pathogenic or benign to our knowledge; This variant is associated with the following publications: (PMID: 25240749)

Revvity Omics, Revvity
Classification: Uncertain significance. Last evaluated: 2023-11-02. Review status: criteria provided, single submitter. Criteria: ACMG Guidelines, 2015. Collection method: clinical testing. Allele origin: germline.

PreventionGenetics, part of Exact Sciences
Classification: Uncertain significance for COL11A1-related condition. Last evaluated: 2024-09-26. Review status: no assertion criteria provided. Collection method: clinical testing. Allele origin: germline. Not counted in ClinVar's aggregate classification.
Comment: The COL11A1 c.173C>T variant is predicted to result in the amino acid substitution p.Thr58Met. To our knowledge, this variant has not been reported in the literature. This variant is reported in 0.023% of alleles in individuals of South Asian descent in gnomAD. At this time, the clinical significance of this variant is uncertain due to the absence of conclusive functional and genetic evidence.